The following is an entry in ClinVar:

NM_001379403.1(WDR26):c.523A>G (p.Asn175Asp)

Gene: WDR26 (WD repeat domain 26; minus strand). Cytogenetic location: 1q42.12.
Variant type: single nucleotide variant.
Coding change: c.523A>G on transcript NM_001379403.1 (MANE Select); coding-DNA position 523, A replaced by G.
Protein change: p.Asn175Asp; replaces asparagine 175 with aspartic acid.
Molecular consequence: missense variant.
Genome position (GRCh38, 1-based): chr1:224,433,883, T>C on the plus strand (A>G on the coding strand, the complement: WDR26 is on the minus strand). VCF-style: chr1-224433883-T-C. GRCh37 (hg19) VCF-style: chr1-224621585-T-C.
Other names: c.223A>G, p.Asn75Asp (NM_001115113.3, NM_025160.7); short protein forms N175D, N75D.
Identifiers: ClinVar variation 2637569 (VCV002637569.1), dbSNP rs1276526506, ClinGen allele CA344752456.

ClinVar aggregate classification (germline): Uncertain significance (1 of 4 stars; one submission).

Allele frequency attached by ClinVar (database versions not stated): gnomAD exomes below 0.00001.
gnomAD v4.1: 2 of 1,536,908 alleles (0.00013%); highest among the groups gnomAD compares: Admixed American, 0.0039%; no homozygotes.

Submission:

Women's Health and Genetics/Laboratory Corporation of America, LabCorp
Classification: Uncertain significance. Last evaluated: 2023-10-30. Review status: criteria provided, single submitter. Criteria: LabCorp Variant Classification Summary - May 2015. Collection method: clinical testing. Allele origin: germline.
Comment: Variant summary: WDR26 c.223A>G (p.Asn75Asp) results in a conservative amino acid change in the encoded protein sequence. Four of five in-silico tools predict a benign effect of the variant on protein function. The variant allele was found at a frequency of 1.4e-05 in 142968 control chromosomes. The available data on variant occurrences in the general population are insufficient to allow any conclusion about variant significance. To our knowledge, no occurrence of c.223A>G in individuals affected with Skraban-Deardorff Syndrome and no experimental evidence demonstrating its impact on protein function have been reported. No submitters have cited clinical-significance assessments for this variant to ClinVar after 2014. Based on the evidence outlined above, the variant was classified as uncertain significance.